The following is an entry in ClinVar:

NM_022114.4(PRDM16):c.2113G>C (p.Gly705Arg)

Gene: PRDM16 (PR/SET domain 16; plus strand). Cytogenetic location: 1p36.32.
Variant type: single nucleotide variant.
Coding change: c.2113G>C on transcript NM_022114.4 (MANE Select); coding-DNA position 2113, G replaced by C.
Protein change: p.Gly705Arg; replaces glycine 705 with arginine.
Molecular consequence: missense variant.
Genome position (GRCh38, 1-based): chr1:3,412,310, G>C. VCF-style: chr1-3412310-G-C. GRCh37 (hg19) VCF-style: chr1-3328874-G-C.
Other names: c.2113G>C, p.Gly705Arg (NM_199454.3); short protein forms G705R.
Identifiers: ClinVar variation 2134739 (VCV002134739.4), dbSNP rs375453690, ClinGen allele CA337999702.

ClinVar aggregate classification (germline): Uncertain significance (1 of 4 stars; one submission).

Conditions:
Left ventricular noncompaction 8 (LVNC8). Identifiers: Orphanet 154, Orphanet 54260, MedGen C3809288, MONDO:0014152, OMIM 615373.

Submission:

Labcorp Genetics (formerly Invitae), Labcorp
Classification: Uncertain significance for Left ventricular noncompaction 8. Last evaluated: 2022-05-06. Review status: criteria provided, single submitter. Criteria: Invitae Variant Classification Sherloc (09022015). Collection method: clinical testing. Allele origin: germline.
Comment: In summary, the available evidence is currently insufficient to determine the role of this variant in disease. Therefore, it has been classified as a Variant of Uncertain Significance. Algorithms developed to predict the effect of missense changes on protein structure and function (SIFT, PolyPhen-2, Align-GVGD) all suggest that this variant is likely to be disruptive. This variant has not been reported in the literature in individuals affected with PRDM16-related conditions. This variant is not present in population databases (gnomAD no frequency). This sequence change replaces glycine, which is neutral and non-polar, with arginine, which is basic and polar, at codon 705 of the PRDM16 protein (p.Gly705Arg).